The following is an entry in ClinVar:

ClinVar aggregate classification (germline): Pathogenic (1 of 4 stars; one submission).

Conditions:
Familial focal epilepsy with variable foci (FPEVF). Identifiers: Orphanet 98820, MedGen C1858477, MONDO:0020310.

Submission:

Labcorp Genetics (formerly Invitae), Labcorp
Classification: Pathogenic for Familial focal epilepsy with variable foci. Last evaluated: 2019-06-26. Review status: criteria provided, single submitter. Criteria: Invitae Variant Classification Sherloc (09022015). Collection method: clinical testing. Allele origin: germline.
Comment: For these reasons, this variant has been classified as Pathogenic. Loss-of-function variants in DEPDC5 are known to be pathogenic (PMID: 23542697, 23542701). This variant has not been reported in the literature in individuals with DEPDC5-related conditions. ClinVar contains an entry for this variant (Variation ID: 573709). This variant is not present in population databases (ExAC no frequency). This sequence change creates a premature translational stop signal (p.Pro378Hisfs*26) in the DEPDC5 gene. It is expected to result in an absent or disrupted protein product.

Literature cited by the submitters: PubMed 23542697; PubMed 23542701.

NM_001242896.3(DEPDC5):c.1133del (p.Pro378fs)

Gene: DEPDC5 (DEP domain containing 5, GATOR1 subcomplex subunit; plus strand). Cytogenetic location: 22q12.3.
Variant type: Deletion.
Coding change: c.1133del on transcript NM_001242896.3 (MANE Select); coding-DNA position 1133, one base deleted (C; older notation c.1133delC).
Protein change: p.Pro378fs; shifts the reading frame from proline 378.
Molecular consequence: frameshift variant. On other transcripts: non-coding transcript variant (5).
Genome position (GRCh38, 1-based): chr22:31,804,213, C deleted; the last of 3 consecutive C bases (chr22:31,804,211-31,804,213); deleting any one gives the same sequence. VCF-style (leftmost placement, unchanged base first): chr22-31804210-TC-T. GRCh37 (hg19) VCF-style: chr22-32200196-TC-T.
Other names: c.1133del, p.Pro378fs (NM_001007188.4, NM_001136029.4, NM_001242897.2 and 7 more transcripts); c.1049del, p.Pro350fs (NM_001369901.1, NM_001369902.1); short protein forms P350fs, P378fs.
Identifiers: ClinVar variation 573709 (VCV000573709.8), dbSNP rs1568955379, ClinGen allele CA891844392.